The following is an entry in ClinVar:

NM_006282.5(STK4):c.301G>A (p.Val101Ile)

Gene: STK4 (serine/threonine kinase 4; plus strand). Cytogenetic location: 20q13.12.
Variant type: single nucleotide variant.
Coding change: c.301G>A on transcript NM_006282.5 (MANE Select); coding-DNA position 301, G replaced by A.
Protein change: p.Val101Ile; replaces valine 101 with isoleucine.
Molecular consequence: missense variant.
Genome position (GRCh38, 1-based): chr20:44,981,884, G>A. VCF-style: chr20-44981884-G-A. GRCh37 (hg19) VCF-style: chr20-43610525-G-A.
Other names: c.301G>A, p.Val101Ile (NM_001352385.2); short protein forms V101I.
Identifiers: ClinVar variation 2189697 (VCV002189697.2), dbSNP rs375543946, ClinGen allele CA9873771.
Genomic context (GRCh38, chr20:44,981,884, plus strand): 5'-TCTAGCCCTCATGTAGTCAAATATTATGGCAGTTATTTTAAGAACACAGACTTATGGATC[G>A]TTATGGAGTACTGTGGGGCTGGTTCTGTATCTGATATCATTCGATTACGAAATAAAACGG-3'
Protein context (NP_006273.1, residues 91-111): SYFKNTDLWI[Val101Ile]MEYCGAGSVS

ClinVar aggregate classification (germline): Uncertain significance (1 of 4 stars; one submission).

Conditions:
Combined immunodeficiency due to STK4 deficiency (IMD110). Also called: T-cell immunodeficiency, recurrent infections, and autoimmunity with or without cardiac malformations; STK4 DEFICIENCY; MST1 DEFICIENCY. Identifiers: Orphanet 314689, MedGen C3553943, MONDO:0013934, OMIM 614868.

Allele frequency attached by ClinVar (database versions not stated): gnomAD exomes 0.00002; gnomAD 0.00003; TOPMed 0.00004; ExAC 0.00008; ESP Exome Variant Server 0.00008.
gnomAD v4.1: 32 of 1,613,850 alleles (0.002%); highest among the groups gnomAD compares: East Asian, 0.013%; no homozygotes.

Submission:

Labcorp Genetics (formerly Invitae), Labcorp
Classification: Uncertain significance for Combined immunodeficiency due to STK4 deficiency. Last evaluated: 2024-10-17. Review status: criteria provided, single submitter. Criteria: Invitae Variant Classification Sherloc (09022015). Collection method: clinical testing. Allele origin: germline.
Comment: This sequence change replaces valine, which is neutral and non-polar, with isoleucine, which is neutral and non-polar, at codon 101 of the STK4 protein (p.Val101Ile). This variant is present in population databases (rs375543946, gnomAD 0.04%). This variant has not been reported in the literature in individuals affected with STK4-related conditions. ClinVar contains an entry for this variant (Variation ID: 2189697). Invitae Evidence Modeling of protein sequence and biophysical properties (such as structural, functional, and spatial information, amino acid conservation, physicochemical variation, residue mobility, and thermodynamic stability) indicates that this missense variant is not expected to disrupt STK4 protein function with a negative predictive value of 95%. In summary, the available evidence is currently insufficient to determine the role of this variant in disease. Therefore, it has been classified as a Variant of Uncertain Significance.